The following is an entry in ClinVar:

NM_001366385.1(CARD14):c.1393C>T (p.Arg465Cys)

Gene: CARD14 (caspase recruitment domain family member 14; plus strand). Cytogenetic location: 17q25.3.
Variant type: single nucleotide variant.
Coding change: c.1393C>T on transcript NM_001366385.1 (MANE Select); coding-DNA position 1393, C replaced by T.
Protein change: p.Arg465Cys; replaces arginine 465 with cysteine.
Molecular consequence: missense variant. On other transcripts: non-coding transcript variant (1).
Genome position (GRCh38, 1-based): chr17:80,195,227, C>T. VCF-style: chr17-80195227-C-T. GRCh37 (hg19) VCF-style: chr17-78169026-C-T.
Other names: c.1393C>T, p.Arg465Cys (NM_001257970.1, NM_024110.4); c.682C>T, p.Arg228Cys (NM_052819.3); c.1393C>T (NM_024110.3); short protein forms R228C, R465C.
Identifiers: ClinVar variation 1419706 (VCV001419706.7), dbSNP rs777303119, ClinGen allele CA8816814.

ClinVar aggregate classification (germline): Uncertain significance. Review status: criteria provided, multiple submitters, no conflicts (2 of 4 stars). 2 submissions from 2 submitters: Uncertain significance (2). Last evaluated 2024-05-13.

Conditions:
Inborn genetic diseases. Identifiers: MedGen C0950123, MeSH D030342.
Pityriasis rubra pilaris (PRP). Also called: Pityriasis rubra pilaris--familial type. Identifiers: Orphanet 2897, MedGen C0032027, MONDO:0100017, OMIM 173200, MONDO:0008251.
Psoriasis 2. Identifiers: MedGen C1864497, MONDO:0011269, OMIM 602723.

Allele frequency attached by ClinVar (database versions not stated): TOPMed 0.00001; ExAC 0.00002; gnomAD exomes 0.00003.
gnomAD v4.1: 26 of 1,611,640 alleles (0.0016%); highest among the groups gnomAD compares: East Asian, 0.013%; no homozygotes.

Submissions (2):

Ambry Genetics
Classification: Uncertain significance for Inborn genetic diseases. Last evaluated: 2024-05-13. Review status: criteria provided, single submitter. Criteria: Ambry Variant Classification Scheme 2023. Collection method: clinical testing. Allele origin: germline.

Labcorp Genetics (formerly Invitae), Labcorp
Classification: Uncertain significance for Pityriasis rubra pilaris; Psoriasis 2. Last evaluated: 2024-04-05. Review status: criteria provided, single submitter. Criteria: Invitae Variant Classification Sherloc (09022015). Collection method: clinical testing. Allele origin: germline.
Comment: This sequence change replaces arginine, which is basic and polar, with cysteine, which is neutral and slightly polar, at codon 465 of the CARD14 protein (p.Arg465Cys). This variant is present in population databases (rs777303119, gnomAD 0.01%). This variant has not been reported in the literature in individuals affected with CARD14-related conditions. ClinVar contains an entry for this variant (Variation ID: 1419706). Advanced modeling of protein sequence and biophysical properties (such as structural, functional, and spatial information, amino acid conservation, physicochemical variation, residue mobility, and thermodynamic stability) performed at Invitae indicates that this missense variant is not expected to disrupt CARD14 protein function with a negative predictive value of 80%. In summary, the available evidence is currently insufficient to determine the role of this variant in disease. Therefore, it has been classified as a Variant of Uncertain Significance.